The following is an entry in ClinVar:

ClinVar aggregate classification (germline): Pathogenic (1 of 4 stars; one submission).

Conditions:
RYR1-related disorder. Also called: RYR1-related condition; RYR1-related disorders. Identifiers: MedGen CN239331.

Submission:

Labcorp Genetics (formerly Invitae), Labcorp
Classification: Pathogenic for RYR1-related disorder. Last evaluated: 2026-01-08. Review status: criteria provided, single submitter. Criteria: Invitae Variant Classification Sherloc (09022015). Collection method: clinical testing. Allele origin: germline.
Comment: This sequence change creates a premature translational stop signal (p.Asp4623Glyfs*2) in the RYR1 gene. It is expected to result in an absent or disrupted protein product. Loss-of-function variants in RYR1 are known to be pathogenic (PMID: 23919265, 25960145, 28818389, 30611313). This variant is not present in population databases (gnomAD no frequency). This variant has not been reported in the literature in individuals affected with RYR1-related conditions. For these reasons, this variant has been classified as Pathogenic.

Literature cited by the submitters: PubMed 23919265; PubMed 25960145; PubMed 28818389; PubMed 30611313.

NM_000540.3(RYR1):c.13867dup (p.Asp4623fs)

Gene: RYR1 (ryanodine receptor 1; plus strand). Cytogenetic location: 19q13.2.
Variant type: Duplication.
Coding change: c.13867dup on transcript NM_000540.3 (MANE Select); coding-DNA position 13867, one base duplicated (G; older notation c.13867dupG).
Protein change: p.Asp4623fs; shifts the reading frame from aspartic acid 4623.
Molecular consequence: frameshift variant.
Genome position (GRCh38, 1-based): chr19:38,572,139, G duplicated. VCF-style (leftmost placement, unchanged base first): chr19-38572138-C-CG. GRCh37 (hg19) VCF-style: chr19-39062778-C-CG.
Other names: c.13852dup, p.Asp4618fs (NM_001042723.2); short protein forms D4623fs, D4618fs.
Identifiers: ClinVar variation 4734643 (VCV004734643.1).
Genomic context (GRCh38, chr19:38,572,138, plus strand): 5'-AGGTGCAGGCTCTGGTGGCAGCTCTGGCTGGGGCTTGGGGGCCGGAGAGGAGGCAGAGGG[C>CG]GATGAGGATGAGAACATGGTGTACTACTTCCTGGAGGAAAGCACAGGCTACATGGAACCC-3'